The following is an entry in ClinVar:

NM_001715.3(BLK):c.678G>C (p.Gln226His)

Genes: BLK (BLK proto-oncogene, Src family tyrosine kinase), BLK-AS1 (BLK antisense RNA 1). Cytogenetic location: 8p23.1.
Variant type: single nucleotide variant.
Coding change: c.678G>C on transcript NM_001715.3 (MANE Select); coding-DNA position 678, G replaced by C.
Protein change: p.Gln226His; replaces glutamine 226 with histidine.
Molecular consequence: missense variant.
Genome position (GRCh38, 1-based): chr8:11,555,390, G>C. VCF-style: chr8-11555390-G-C. GRCh37 (hg19) VCF-style: chr8-11412899-G-C.
Other names: c.465G>C, p.Gln155His (NM_001330465.2); short protein forms Q155H, Q226H.
Identifiers: ClinVar variation 4796872 (VCV004796872.1).

ClinVar aggregate classification (germline): Uncertain significance (1 of 4 stars; one submission).

gnomAD v4.1: 228 of 1,614,046 alleles (0.014%); highest among the groups gnomAD compares: Non-Finnish European, 0.019%; no homozygotes.

Submission:

Labcorp Genetics (formerly Invitae), Labcorp
Classification: Uncertain significance. Last evaluated: 2025-07-13. Review status: criteria provided, single submitter. Criteria: Invitae Variant Classification Sherloc (09022015). Collection method: clinical testing. Allele origin: germline.
Comment: This sequence change replaces glutamine, which is neutral and polar, with histidine, which is basic and polar, at codon 226 of the BLK protein (p.Gln226His). This variant is present in population databases (rs200893448, gnomAD 0.02%). This variant has not been reported in the literature in individuals affected with BLK-related conditions. An algorithm developed to predict the effect of missense changes on protein structure and function (PolyPhen-2) suggests that this variant is likely to be tolerated. In summary, the available evidence is currently insufficient to determine the role of this variant in disease. Therefore, it has been classified as a Variant of Uncertain Significance.